The following is an entry in ClinVar:

ClinVar aggregate classification (germline): Pathogenic/Likely pathogenic. Review status: criteria provided, multiple submitters, no conflicts (2 of 4 stars). 2 submissions from 2 submitters: Pathogenic (1); Likely pathogenic (1). Last evaluated 2023-01-09.

Conditions:
Renal carnitine transport defect (CDSP). Also called: Carnitine Deficiency, Systemic; Systemic primary carnitine deficiency; Carnitine transporter deficiency; Primary carnitine deficiency; Systemic primary carnitine deficiency disease; CARNITINE DEFICIENCY, SYSTEMIC, DUE TO DEFECT IN RENAL REABSORPTION OF CARNITINE. Identifiers: Orphanet 158, MedGen C0342788, MONDO:0008919, OMIM 212140.

Allele frequency attached by ClinVar (database versions not stated): gnomAD exomes below 0.00001.
gnomAD v4.1: 1 of 1,609,436 alleles (0.000062%); highest among the groups gnomAD compares: South Asian, 0.0011%; no homozygotes.

Submissions (2):

Labcorp Genetics (formerly Invitae), Labcorp
Classification: Pathogenic for Renal carnitine transport defect. Last evaluated: 2023-01-09. Review status: criteria provided, single submitter. Criteria: Invitae Variant Classification Sherloc (09022015). Collection method: clinical testing. Allele origin: germline.
Comment: For these reasons, this variant has been classified as Pathogenic. Algorithms developed to predict the effect of sequence changes on RNA splicing suggest that this variant may disrupt the consensus splice site. Disruption of this splice site has been observed in individuals with primary carnitine deficiency (PMID: 25132046, 35095998, 35193651). This variant is not present in population databases (gnomAD no frequency). This sequence change affects a donor splice site in intron 2 of the SLC22A5 gene. It is expected to disrupt RNA splicing. Variants that disrupt the donor or acceptor splice site typically lead to a loss of protein function (PMID: 16199547), and loss-of-function variants in SLC22A5 are known to be pathogenic (PMID: 9916797).

Baylor Genetics
Classification: Likely pathogenic for Renal carnitine transport defect. Last evaluated: 2022-11-05. Review status: criteria provided, single submitter. Criteria: ACMG Guidelines, 2015. Collection method: clinical testing. Allele origin: unknown.

Literature cited by the submitters: PubMed 25132046 (cited by Labcorp Genetics (formerly Invitae), Labcorp); PubMed 35095998 (cited by Labcorp Genetics (formerly Invitae), Labcorp); PubMed 35193651 (cited by Labcorp Genetics (formerly Invitae), Labcorp); PubMed 16199547 (cited by Labcorp Genetics (formerly Invitae), Labcorp); PubMed 9916797 (cited by Labcorp Genetics (formerly Invitae), Labcorp).

NM_003060.4(SLC22A5):c.497+1G>A

Gene: SLC22A5 (solute carrier family 22 member 5; plus strand). Cytogenetic location: 5q31.1.
Variant type: single nucleotide variant.
Coding change: c.497+1G>A on transcript NM_003060.4 (MANE Select); the canonical splice donor site of the intron after coding-DNA position 497, G replaced by A.
Molecular consequence: splice donor variant.
Genome position (GRCh38, 1-based): chr5:132,378,482, G>A. VCF-style: chr5-132378482-G-A. GRCh37 (hg19) VCF-style: chr5-131714174-G-A.
Other names: c.569+1G>A (NM_001308122.2).
Identifiers: ClinVar variation 2678801 (VCV002678801.4), dbSNP rs2532106834, ClinGen allele CA360803794.
Genomic context (GRCh38, chr5:132,378,482, plus strand): 5'-CTCCTTGTTCTTCGTGGGTGTGCTGTTGGGCTCCTTCATTTCAGGGCAGCTGTCAGACAG[G>A]TAAGGTGTCTGTCTTCTGGAGCACCAGGGGACCTCAGCACTGAGGAAGAAGCGTGTGCCT-3'